The following is an entry in ClinVar:

NM_012330.4(KAT6B):c.5641C>T (p.Pro1881Ser)

Gene: KAT6B (lysine acetyltransferase 6B; plus strand). Cytogenetic location: 10q22.2.
Variant type: single nucleotide variant.
Coding change: c.5641C>T on transcript NM_012330.4 (MANE Select); coding-DNA position 5641, C replaced by T.
Protein change: p.Pro1881Ser; replaces proline 1881 with serine.
Molecular consequence: missense variant.
Genome position (GRCh38, 1-based): chr10:75,030,465, C>T. VCF-style: chr10-75030465-C-T. GRCh37 (hg19) VCF-style: chr10-76790223-C-T.
Other names: c.5092C>T, p.Pro1698Ser (NM_001256468.2, NM_001370138.1); c.4765C>T, p.Pro1589Ser (NM_001256469.2, NM_001370139.1, NM_001370140.1 and 2 more transcripts); c.4603C>T, p.Pro1535Ser (NM_001370132.1); c.3952C>T, p.Pro1318Ser (NM_001370133.1); c.3556C>T, p.Pro1186Ser (NM_001370134.1); c.3298C>T, p.Pro1100Ser (NM_001370135.1); c.5641C>T, p.Pro1881Ser (NM_001370136.1, NM_001370137.1); c.4576C>T, p.Pro1526Ser (NM_001370143.1, NM_001370144.1); short protein forms P1318S, P1535S, P1100S, P1526S, P1881S, P1186S, P1589S, P1698S.
Identifiers: ClinVar variation 2916824 (VCV002916824.3), dbSNP rs1846227833, ClinGen allele CA377301863.

ClinVar aggregate classification (germline): Uncertain significance (1 of 4 stars; one submission).

Conditions:
Genitopatellar syndrome (GTPTS). Also called: ABSENT PATELLAE, SCROTAL HYPOPLASIA, RENAL ANOMALIES, FACIAL DYSMORPHISM, AND MENTAL RETARDATION; Genitopatellar syndrome (GPS). Identifiers: Orphanet 85201, MedGen C1853566, MONDO:0011640, OMIM 606170.

Submission:

Labcorp Genetics (formerly Invitae), Labcorp
Classification: Uncertain significance for Genitopatellar syndrome. Last evaluated: 2023-07-03. Review status: criteria provided, single submitter. Criteria: Invitae Variant Classification Sherloc (09022015). Collection method: clinical testing. Allele origin: germline.
Comment: An algorithm developed to predict the effect of missense changes on protein structure and function (PolyPhen-2) suggests that this variant is likely to be disruptive. This sequence change replaces proline, which is neutral and non-polar, with serine, which is neutral and polar, at codon 1881 of the KAT6B protein (p.Pro1881Ser). This variant is not present in population databases (gnomAD no frequency). This variant has not been reported in the literature in individuals affected with KAT6B-related conditions. In summary, the available evidence is currently insufficient to determine the role of this variant in disease. Therefore, it has been classified as a Variant of Uncertain Significance.